The following is an entry in ClinVar:

ClinVar aggregate classification (germline): Benign/Likely benign. Review status: criteria provided, multiple submitters, no conflicts (2 of 4 stars). 2 submissions from 2 submitters: Benign (1); Likely benign (1). Last evaluated 2026-01-12.

Allele frequency attached by ClinVar (database versions not stated): ESP Exome Variant Server 0.00008; 1000 Genomes Project 0.00040; 1000 Genomes Project 30x 0.00047; ExAC 0.00062.
gnomAD v4.1: 304 of 1,613,868 alleles (0.019%); highest among the groups gnomAD compares: Admixed American, 0.5%; 3 homozygotes.

Submissions (2):

Labcorp Genetics (formerly Invitae), Labcorp
Classification: Benign. Last evaluated: 2026-01-12. Review status: criteria provided, single submitter. Criteria: Invitae Variant Classification Sherloc (09022015). Collection method: clinical testing. Allele origin: germline.

Mayo Clinic Laboratories, Mayo Clinic
Classification: Likely benign. Last evaluated: 2025-09-09. Review status: criteria provided, single submitter. Criteria: ACMG Guidelines, 2015. Collection method: clinical testing. Allele origin: germline. Observed: 1 variant allele.
Comment: BS2, BP4

NM_024420.3(PLA2G4A):c.1437C>G (p.Phe479Leu)

Gene: PLA2G4A (phospholipase A2 group IVA; plus strand). Cytogenetic location: 1q31.1.
Variant type: single nucleotide variant.
Coding change: c.1437C>G on transcript NM_024420.3 (MANE Select); coding-DNA position 1437, C replaced by G.
Protein change: p.Phe479Leu; replaces phenylalanine 479 with leucine.
Molecular consequence: missense variant.
Genome position (GRCh38, 1-based): chr1:186,956,202, C>G. VCF-style: chr1-186956202-C-G. GRCh37 (hg19) VCF-style: chr1-186925334-C-G.
Other names: p.Phe479Leu; c.1257C>G, p.Phe419Leu (NM_001311193.2); c.1437C>G (NM_024420.2); short protein forms F479L, F419L.
Identifiers: ClinVar variation 2057214 (VCV002057214.5), dbSNP rs146620407, ClinGen allele CA1300232.
Genomic context (GRCh38, chr1:186,956,202, plus strand): 5'-TAATCAAGCAAGTTGGATTCATCGTATGATAATGGCCTTGGTGAGTGATTCAGCTTTATT[C>G]AATACCAGAGAAGGACGTGCTGGGAAGGTACACAACTTCATGCTGGGCTTGAATCTCAAT-3'
Protein context (NP_077734.2, residues 469-489): IMALVSDSAL[Phe479Leu]NTREGRAGKV